The following is an entry in ClinVar:

ClinVar aggregate classification (germline): Uncertain significance (1 of 4 stars; one submission).

Conditions:
Early-infantile DEE. Also called: Ohtahara syndrome; Early infantile epileptic encephalopathy with suppression bursts; Early infantile epileptic encephalopathy. Identifiers: Orphanet 1934, MedGen C0393706, MONDO:0800491.

gnomAD v4.1: 3 of 1,589,172 alleles (0.00019%); highest among the groups gnomAD compares: East Asian, 0.0023%; no homozygotes.

Submission:

Labcorp Genetics (formerly Invitae), Labcorp
Classification: Uncertain significance for Early-infantile DEE. Last evaluated: 2022-04-08. Review status: criteria provided, single submitter. Criteria: Invitae Variant Classification Sherloc (09022015). Collection method: clinical testing. Allele origin: germline.
Comment: In summary, the available evidence is currently insufficient to determine the role of this variant in disease. Therefore, it has been classified as a Variant of Uncertain Significance. Advanced modeling of protein sequence and biophysical properties (such as structural, functional, and spatial information, amino acid conservation, physicochemical variation, residue mobility, and thermodynamic stability) performed at Invitae indicates that this missense variant is expected to disrupt KCNQ2 protein function. This variant has not been reported in the literature in individuals affected with KCNQ2-related conditions. This variant is not present in population databases (gnomAD no frequency). This sequence change replaces proline, which is neutral and non-polar, with glutamine, which is neutral and polar, at codon 387 of the KCNQ2 protein (p.Pro387Gln).

NM_172107.4(KCNQ2):c.1160C>A (p.Pro387Gln)

Gene: KCNQ2 (potassium voltage-gated channel subfamily Q member 2; minus strand). Cytogenetic location: 20q13.33.
Variant type: single nucleotide variant.
Coding change: c.1160C>A on transcript NM_172107.4 (MANE Select); coding-DNA position 1160, C replaced by A.
Protein change: p.Pro387Gln; replaces proline 387 with glutamine.
Molecular consequence: missense variant.
Genome position (GRCh38, 1-based): chr20:63,428,424, G>T on the plus strand (C>A on the coding strand, the complement: KCNQ2 is on the minus strand). VCF-style: chr20-63428424-G-T. GRCh37 (hg19) VCF-style: chr20-62059777-G-T.
Other names: c.1160C>A, p.Pro387Gln (NM_001382235.1, NM_172106.3, NM_172108.5); c.1130C>A, p.Pro377Gln (NM_004518.6); short protein forms P377Q, P387Q.
Identifiers: ClinVar variation 1925950 (VCV001925950.5), dbSNP rs1473938948, ClinGen allele CA409650049.